The following is an entry in ClinVar:

ClinVar aggregate classification (germline): Conflicting classifications of pathogenicity. Review status: criteria provided, conflicting classifications (1 of 4 stars). 2 submissions from 2 submitters: Pathogenic (1); Uncertain significance (1). Last evaluated 2025-09-22.

Conditions:
Developmental and epileptic encephalopathy, 11 (DEE11). Also called: Early infantile epileptic encephalopathy 11. Identifiers: Orphanet 1934, MedGen C3150987, MONDO:0013388, OMIM 613721.
Seizures, benign familial infantile, 3 (BFIS3). Also called: CONVULSIONS, BENIGN FAMILIAL INFANTILE, 3; Familial neonatal seizures. Identifiers: Orphanet 140927, Orphanet 306, MedGen C1843140, MONDO:0011904, OMIM 607745.

Submissions (2):

Centre of Medical Genetics, University Hospital Muenster
Classification: Pathogenic. Last evaluated: 2025-09-22. Review status: criteria provided, single submitter. Criteria: ACMG Guidelines, 2015. Collection method: clinical testing. Allele origin: de novo. Affected: yes. Observed: 1 variant allele, 1 heterozygote.
Comment: ACMG categories: PS2,PS4_sup,PM1,PM2_sup,PM5_sup,PP3

Labcorp Genetics (formerly Invitae), Labcorp
Classification: Uncertain significance for Seizures, benign familial infantile, 3; Developmental and epileptic encephalopathy, 11. Last evaluated: 2022-06-03. Review status: criteria provided, single submitter. Criteria: Invitae Variant Classification Sherloc (09022015). Collection method: clinical testing. Allele origin: germline.
Comment: This sequence change replaces tyrosine, which is neutral and polar, with histidine, which is basic and polar, at codon 1498 of the SCN2A protein (p.Tyr1498His). This variant is not present in population databases (gnomAD no frequency). This missense change has been observed in individual(s) with clinical features of SCN2A-related conditions (PMID: 29655203; Invitae). ClinVar contains an entry for this variant (Variation ID: 1447201). Algorithms developed to predict the effect of missense changes on protein structure and function are either unavailable or do not agree on the potential impact of this missense change (SIFT: "Deleterious"; PolyPhen-2: "Benign"; Align-GVGD: "Class C0"). This variant disrupts the p.Tyr1498 amino acid residue in SCN2A. Other variant(s) that disrupt this residue have been observed in individuals with SCN2A-related conditions (PMID: 34015165; Invitae), which suggests that this may be a clinically significant amino acid residue. In summary, the available evidence is currently insufficient to determine the role of this variant in disease. Therefore, it has been classified as a Variant of Uncertain Significance.

Literature cited by the submitters: PubMed 29655203 (cited by Labcorp Genetics (formerly Invitae), Labcorp); PubMed 34015165 (cited by Labcorp Genetics (formerly Invitae), Labcorp).

NM_001040142.2(SCN2A):c.4492T>C (p.Tyr1498His)

Gene: SCN2A (sodium voltage-gated channel alpha subunit 2; plus strand). Cytogenetic location: 2q24.3.
Variant type: single nucleotide variant.
Coding change: c.4492T>C on transcript NM_001040142.2 (MANE Select); coding-DNA position 4492, T replaced by C.
Protein change: p.Tyr1498His; replaces tyrosine 1498 with histidine.
Molecular consequence: missense variant.
Genome position (GRCh38, 1-based): chr2:165,381,138, T>C. VCF-style: chr2-165381138-T-C. GRCh37 (hg19) VCF-style: chr2-166237648-T-C.
Other names: c.4492T>C, p.Tyr1498His (NM_001040143.2, NM_001371246.1, NM_001371247.1 and 1 more transcripts); short protein forms Y1498H.
Identifiers: ClinVar variation 1447201 (VCV001447201.9), dbSNP rs2105385797, ClinGen allele CA349034717.